The following is an entry in ClinVar:

NM_000282.4(PCCA):c.422del (p.Pro141fs)

Gene: PCCA (propionyl-CoA carboxylase subunit alpha; plus strand). Cytogenetic location: 13q32.3.
Variant type: Deletion.
Coding change: c.422del on transcript NM_000282.4 (MANE Select); coding-DNA position 422, one base deleted (C; older notation c.422delC).
Protein change: p.Pro141fs; shifts the reading frame from proline 141.
Molecular consequence: frameshift variant. On other transcripts: 5 prime UTR variant (3), non-coding transcript variant (5).
Genome position (GRCh38, 1-based): chr13:100,157,294, C deleted; the last of 2 consecutive C bases (chr13:100,157,293-100,157,294); deleting either gives the same sequence. VCF-style (leftmost placement, unchanged base first): chr13-100157292-TC-T. GRCh37 (hg19) VCF-style: chr13-100809546-TC-T.
Other names: c.344del, p.Pro115fs (NM_001127692.3, NM_001352607.2, NM_001352608.2); c.422del, p.Pro141fs (NM_001178004.2, NM_001352605.2, NM_001352606.2 and 1 more transcripts); c.-445del (NM_001352610.2, NM_001352611.2, NM_001352612.2); short protein forms P115fs, P141fs.
Identifiers: ClinVar variation 5015762 (VCV005015762.1).
Genomic context (GRCh38, chr13:100,157,292, plus strand): 5'-ATAAAGCTTTTGCAATATGATAAAATTGAAAGTGCTTTTTGCTTTCATTTCTAAGGTACA[TC>T]CAGGTTATGGATTCCTTTCAGAAAACAAAGAATTTGCCAGATGTTTGGTAAGTTGGTAAT-3'

ClinVar aggregate classification (germline): Pathogenic (1 of 4 stars; one submission).

Conditions:
Propionic acidemia (PROP). Also called: GLYCINEMIA, KETOTIC; HYPERGLYCINEMIA WITH KETOACIDOSIS AND LEUKOPENIA; KETOTIC HYPERGLYCINEMIA. Identifiers: Orphanet 35, MedGen C0268579, MONDO:0011628, OMIM 606054, HP:0003571.

Submission:

Myriad Genetics, Inc.
Classification: Pathogenic for Propionic acidemia. Last evaluated: 2026-04-04. Review status: criteria provided, single submitter. Criteria: Myriad Autosomal Dominant, Autosomal Recessive and X-Linked Classification Criteria (2023). Collection method: clinical testing. Allele origin: unknown.
Comment: NM_000282.3(PCCA):c.422delC(P141Qfs*43) is expected to be pathogenic in the context of PCCA-related propionic acidemia. This variant is predicted to lead to an abnormal or absent protein product due to the creation of a premature termination codon in PCCA, a gene where loss-of-function variants are known to be pathogenic. Please note: this variant was assessed in the context of healthy population screening.